The following is an entry in ClinVar:

NM_006949.4(STXBP2):c.1169T>C (p.Val390Ala)

Gene: STXBP2 (syntaxin binding protein 2; plus strand). Cytogenetic location: 19p13.2.
Variant type: single nucleotide variant.
Coding change: c.1169T>C on transcript NM_006949.4 (MANE Select); coding-DNA position 1169, T replaced by C.
Protein change: p.Val390Ala; replaces valine 390 with alanine.
Molecular consequence: missense variant. On other transcripts: non-coding transcript variant (1).
Genome position (GRCh38, 1-based): chr19:7,644,675, T>C. VCF-style: chr19-7644675-T-C. GRCh37 (hg19) VCF-style: chr19-7709561-T-C.
Other names: c.1160T>C, p.Val387Ala (NM_001127396.3); c.1202T>C, p.Val401Ala (NM_001272034.2); short protein forms V387A, V390A, V401A.
Identifiers: ClinVar variation 653559 (VCV000653559.9), dbSNP rs1599403453, ClinGen allele CA403161118.

ClinVar aggregate classification (germline): Uncertain significance (1 of 4 stars; one submission).

Conditions:
Familial hemophagocytic lymphohistiocytosis 5. Also called: STXBP2-Related Familial Hemophagocytic Lymphohistiocytosis (STXBP2-fHLH). Identifiers: Orphanet 540, MedGen C2751293, MONDO:0013135, OMIM 613101.

Submission:

Labcorp Genetics (formerly Invitae), Labcorp
Classification: Uncertain significance for Familial hemophagocytic lymphohistiocytosis 5. Last evaluated: 2018-11-24. Review status: criteria provided, single submitter. Criteria: Invitae Variant Classification Sherloc (09022015). Collection method: clinical testing. Allele origin: germline.
Comment: In summary, the available evidence is currently insufficient to determine the role of this variant in disease. Therefore, it has been classified as a Variant of Uncertain Significance. Algorithms developed to predict the effect of missense changes on protein structure and function (SIFT, PolyPhen-2, Align-GVGD) all suggest that this variant is likely to be disruptive, but these predictions have not been confirmed by published functional studies and their clinical significance is uncertain. This variant has not been reported in the literature in individuals with STXBP2-related conditions. This variant is not present in population databases (ExAC no frequency). This sequence change replaces valine with alanine at codon 390 of the STXBP2 protein (p.Val390Ala). The valine residue is highly conserved and there is a small physicochemical difference between valine and alanine.